The following is an entry in ClinVar:

NM_002334.4(LRP4):c.5510T>C (p.Leu1837Pro)

Genes: LRP4 (LDL receptor related protein 4; minus strand), LRP4-AS1 (LRP4 antisense RNA 1; plus strand). Cytogenetic location: 11p11.2.
Variant type: single nucleotide variant.
Coding change: c.5510T>C on transcript NM_002334.4 (MANE Select); coding-DNA position 5510, T replaced by C.
Protein change: p.Leu1837Pro; replaces leucine 1837 with proline.
Molecular consequence: missense variant.
Genome position (GRCh38, 1-based): chr11:46,859,191, A>G on the plus strand (T>C on the coding strand, the complement: LRP4 is on the minus strand). VCF-style: chr11-46859191-A-G. GRCh37 (hg19) VCF-style: chr11-46880742-A-G.
Other names: short protein forms L1837P.
Identifiers: ClinVar variation 2056369 (VCV002056369.3), dbSNP rs759491078, ClinGen allele CA5969000.

ClinVar aggregate classification (germline): Uncertain significance. Review status: criteria provided, multiple submitters, no conflicts (2 of 4 stars). 2 submissions from 2 submitters: Uncertain significance (2). Last evaluated 2026-01-05.

Conditions:
Cenani-Lenz syndactyly syndrome. Also called: SYNDACTYLY, TYPE VII; CENANI SYNDACTYLISM. Identifiers: Orphanet 3258, MedGen C1859309, MONDO:0008931, OMIM 212780.
Sclerosteosis 2 (SOST2). Identifiers: Orphanet 3152, MedGen C3280402, MONDO:0013679, OMIM 614305.
Congenital myasthenic syndrome 17. Identifiers: Orphanet 590, MedGen C4225377, MONDO:0014578, OMIM 616304.

Allele frequency attached by ClinVar (database versions not stated): gnomAD exomes 0.00001; gnomAD 0.00001; TOPMed 0.00003; ExAC 0.00002.
gnomAD v4.1: 9 of 1,613,930 alleles (0.00056%); highest among the groups gnomAD compares: Admixed American, 0.015%; no homozygotes.

Submissions (2):

Labcorp Genetics (formerly Invitae), Labcorp
Classification: Uncertain significance for Cenani-Lenz syndactyly syndrome; Sclerosteosis 2; Congenital myasthenic syndrome 17. Last evaluated: 2026-01-05. Review status: criteria provided, single submitter. Criteria: Invitae Variant Classification Sherloc (09022015). Collection method: clinical testing. Allele origin: germline.
Comment: This sequence change replaces leucine, which is neutral and non-polar, with proline, which is neutral and non-polar, at codon 1837 of the LRP4 protein (p.Leu1837Pro). This variant is present in population databases (rs759491078, gnomAD 0.02%). This variant has not been reported in the literature in individuals affected with LRP4-related conditions. ClinVar contains an entry for this variant (Variation ID: 2056369). An algorithm developed to predict the effect of missense changes on protein structure and function (PolyPhen-2) suggests that this variant is likely to be disruptive. In summary, the available evidence is currently insufficient to determine the role of this variant in disease. Therefore, it has been classified as a Variant of Uncertain Significance.

Fulgent Genetics
Classification: Uncertain significance for Cenani-Lenz syndactyly syndrome; Sclerosteosis 2; Congenital myasthenic syndrome 17. Last evaluated: 2024-06-17. Review status: criteria provided, single submitter. Criteria: ACMG Guidelines, 2015. Collection method: clinical testing. Allele origin: germline.